The following is an entry in ClinVar:

NM_002907.4(RECQL):c.1798-11_1798-5del

Genes: PYROXD1 (pyridine nucleotide-disulphide oxidoreductase domain 1; plus strand), RECQL (RecQ like helicase; minus strand). Cytogenetic location: 12p12.1.
Variant type: Deletion.
Coding change: c.1798-11_1798-5del on transcript NM_002907.4 (MANE Select); 11 bases into the intron before coding-DNA position 1798 through 5 bases into the intron before coding-DNA position 1798, 7 bases deleted (TTTTTTT; older notation c.1798-11_1798-5delTTTTTTT).
Molecular consequence: intron variant. On other transcripts: 3 prime UTR variant (3).
Genome position (GRCh38, 1-based): chr12:21,470,351-21,470,357, AAAAAAA deleted on the plus strand (TTTTTTT on the coding strand, the reverse complement: RECQL is on the minus strand); deleting any 7 consecutive bases within chr12:21,470,351-21,470,366 gives the same sequence; the c. name uses the placement nearest the transcript's 3' end. VCF-style (leftmost placement, unchanged base first): chr12-21470350-CAAAAAAA-C. GRCh37 (hg19) VCF-style: chr12-21623284-CAAAAAAA-C.
Other names: c.*1606_*1612del (NM_001350912.2, NM_001350913.2, NM_024854.5); c.1798-11_1798-5del (NM_032941.3).
Identifiers: ClinVar variation 4533060 (VCV004533060.1).

ClinVar aggregate classification (germline): Uncertain significance (1 of 4 stars; one submission).

Submission:

Quest Diagnostics Nichols Institute San Juan Capistrano
Classification: Uncertain significance. Last evaluated: 2025-07-31. Review status: criteria provided, single submitter. Criteria: Quest Diagnostics criteria. Collection method: clinical testing. Allele origin: unknown.
Comment: The RECQL c.1798-11_1798-5del variant has not been reported in individuals with RECQL-related conditions in the published literature. This variant also has not been reported in large, multi-ethnic general populations (Genome Aggregation Database). Analysis of this variant using software algorithms for the prediction of the effect of nucleotide changes on splicing yielded predictions that this variant does not affect RECQL mRNA splicing. Based on the available information, we are unable to determine the clinical significance of this variant.